The following is an entry in ClinVar:

NM_001040142.2(SCN2A):c.4494C>G (p.Tyr1498Ter)

Gene: SCN2A (sodium voltage-gated channel alpha subunit 2; plus strand). Cytogenetic location: 2q24.3.
Variant type: single nucleotide variant.
Coding change: c.4494C>G on transcript NM_001040142.2 (MANE Select); coding-DNA position 4494, C replaced by G.
Protein change: p.Tyr1498Ter; replaces tyrosine 1498 with a stop codon.
Molecular consequence: nonsense.
Genome position (GRCh38, 1-based): chr2:165,381,140, C>G. VCF-style: chr2-165381140-C-G. GRCh37 (hg19) VCF-style: chr2-166237650-C-G.
Other names: c.4494C>G, p.Tyr1498Ter (NM_001040143.2, NM_001371246.1, NM_001371247.1 and 1 more transcripts); short protein forms Y1498*.
Identifiers: ClinVar variation 2585557 (VCV002585557.1), dbSNP rs2468129607, ClinGen allele CA349034734.
Genomic context (GRCh38, chr2:165,381,140, plus strand): 5'-TTCATTTCTTTACTTTGGAGGTCAAGACATTTTTATGACAGAAGAACAGAAGAAATACTA[C>G]AATGCAATGAAAAAACTGGGTTCAAAGAAACCACAAAAACCCATACCTCGACCTGCTGTA-3'

ClinVar aggregate classification (germline): Likely pathogenic (1 of 4 stars; one submission).

Conditions:
Developmental and epileptic encephalopathy, 11 (DEE11). Also called: Early infantile epileptic encephalopathy 11. Identifiers: Orphanet 1934, MedGen C3150987, MONDO:0013388, OMIM 613721.

Submission:

Neuberg Centre For Genomic Medicine, NCGM
Classification: Likely pathogenic for Developmental and epileptic encephalopathy, 11. Review status: criteria provided, single submitter. Criteria: ACMG Guidelines, 2015. Collection method: clinical testing. Allele origin: germline. Inheritance: Autosomal dominant inheritance. Affected: yes.
Comment: This stop gained variant c.4494C>G (p.Tyr1498Ter) has not been reported previously as a pathogenic variant nor as a benign variant, to our knowledge. The c.4494C>G variant is novel (not in any individuals) in gnomAD Exomes and 1000 Genomes. The nucleotide change c.4494C>G in SCN2A is predicted as conserved by GERP++ and PhyloP across 100 vertebrates. Loss of function variants have been previously reported to be disease causing. For these reasons, this variant has been classified as Likely pathogenic.